The following is an entry in ClinVar:

NM_004855.5(PIGB):c.53G>A (p.Ser18Asn)

Genes: PIGB (phosphatidylinositol glycan anchor biosynthesis class B; plus strand), LOC130057104 (ATAC-STARR-seq lymphoblastoid active region 9443; plus strand). Cytogenetic location: 15q21.3.
Variant type: single nucleotide variant.
Coding change: c.53G>A on transcript NM_004855.5 (MANE Select); coding-DNA position 53, G replaced by A.
Protein change: p.Ser18Asn; replaces serine 18 with asparagine.
Molecular consequence: missense variant.
Genome position (GRCh38, 1-based): chr15:55,319,303, G>A. VCF-style: chr15-55319303-G-A. GRCh37 (hg19) VCF-style: chr15-55611501-G-A.
Other names: short protein forms S18N.
Identifiers: ClinVar variation 2089629 (VCV002089629.1), dbSNP rs1407722534, ClinGen allele CA392540900.

ClinVar aggregate classification (germline): Uncertain significance (1 of 4 stars; one submission).

Submission:

Labcorp Genetics (formerly Invitae), Labcorp
Classification: Uncertain significance. Last evaluated: 2022-01-26. Review status: criteria provided, single submitter. Criteria: Invitae Variant Classification Sherloc (09022015). Collection method: clinical testing. Allele origin: germline.
Comment: This sequence change replaces serine, which is neutral and polar, with asparagine, which is neutral and polar, at codon 18 of the PIGB protein (p.Ser18Asn). This variant is not present in population databases (gnomAD no frequency). This variant has not been reported in the literature in individuals affected with PIGB-related conditions. Algorithms developed to predict the effect of missense changes on protein structure and function output the following: SIFT: "Tolerated"; PolyPhen-2: "Benign"; Align-GVGD: "Class C0". The asparagine amino acid residue is found in multiple mammalian species, which suggests that this missense change does not adversely affect protein function. In summary, the available evidence is currently insufficient to determine the role of this variant in disease. Therefore, it has been classified as a Variant of Uncertain Significance.